The following is an entry in ClinVar:

NM_003742.4(ABCB11):c.1190_1197+15del

Gene: ABCB11 (ATP binding cassette subfamily B member 11; minus strand). Cytogenetic location: 2q31.1.
Variant type: Deletion.
Coding change: c.1190_1197+15del on transcript NM_003742.4 (MANE Select); coding-DNA position 1190 through 15 bases into the intron after coding-DNA position 1197, 23 bases deleted (TAGACAGGGTATGTATAAGCCAA).
Molecular consequence: splice donor variant.
Genome position (GRCh38, 1-based): chr2:168,979,851-168,979,873, TTGGCTTATACATACCCTGTCTA deleted on the plus strand (TAGACAGGGTATGTATAAGCCAA on the coding strand, the reverse complement: ABCB11 is on the minus strand); deleting any 23 consecutive bases within chr2:168,979,851-168,979,876 gives the same sequence; the c. name uses the placement nearest the transcript's 3' end. VCF-style (leftmost placement, unchanged base first): chr2-168979850-TTTGGCTTATACATACCCTGTCTA-T. GRCh37 (hg19) VCF-style: chr2-169836360-TTTGGCTTATACATACCCTGTCTA-T.
Identifiers: ClinVar variation 2128818 (VCV002128818.4), dbSNP rs2545418182, ClinGen allele CA2580064389.

ClinVar aggregate classification (germline): Likely pathogenic (1 of 4 stars; one submission).

Submission:

Labcorp Genetics (formerly Invitae), Labcorp
Classification: Likely pathogenic. Last evaluated: 2022-04-21. Review status: criteria provided, single submitter. Criteria: Invitae Variant Classification Sherloc (09022015). Collection method: clinical testing. Allele origin: germline.
Comment: This variant results in the deletion of part of exon 11 (c.1190_1197+15del) of the ABCB11 gene. It is expected to disrupt RNA splicing. Variants that disrupt the donor or acceptor splice site typically lead to a loss of protein function (PMID: 16199547), and loss-of-function variants in ABCB11 are known to be pathogenic (PMID: 18395098, 20232290). This variant is not present in population databases (gnomAD no frequency). This variant has not been reported in the literature in individuals affected with ABCB11-related conditions. Algorithms developed to predict the effect of sequence changes on RNA splicing suggest that this variant may disrupt the consensus splice site. In summary, the currently available evidence indicates that the variant is pathogenic, but additional data are needed to prove that conclusively. Therefore, this variant has been classified as Likely Pathogenic.

Literature cited by the submitters: PubMed 16199547; PubMed 18395098; PubMed 20232290.